The following is an entry in ClinVar:

NM_001750.7(CAST):c.1702G>T (p.Glu568Ter)

Gene: CAST (calpastatin; plus strand). Cytogenetic location: 5q15.
Variant type: single nucleotide variant.
Coding change: c.1702G>T on transcript NM_001750.7 (MANE Select); coding-DNA position 1702, G replaced by T.
Protein change: p.Glu568Ter; replaces glutamic acid 568 with a stop codon.
Molecular consequence: nonsense. On other transcripts: non-coding transcript variant (1).
Genome position (GRCh38, 1-based): chr5:96,754,733, G>T. VCF-style: chr5-96754733-G-T. GRCh37 (hg19) VCF-style: chr5-96090437-G-T.
Other names: c.1579G>T, p.Glu527Ter (NM_001042440.5, NM_001330627.2); c.1645G>T, p.Glu549Ter (NM_001042441.3); c.1636G>T, p.Glu546Ter (NM_001042442.3, NM_001329966.1); c.1453G>T, p.Glu485Ter (NM_001042443.3, NM_001423250.1); c.1330G>T, p.Glu444Ter (NM_001042444.3, NM_001284212.4); c.1348G>T, p.Glu450Ter (NM_001042445.3, NM_001423255.1, NM_001423256.1 and 3 more transcripts); c.1291G>T, p.Glu431Ter (NM_001042446.3, NM_001330630.2, NM_001423260.1); c.1414G>T, p.Glu472Ter (NM_001190442.2, NM_001330631.2, NM_001423251.1 and 1 more transcripts); and 8 more; short protein forms E413*, E431*, E444*, E450*, E453*, E463*, E466*, E472*.
Identifiers: ClinVar variation 2634962 (VCV002634962.1), dbSNP rs1765909899, ClinGen allele CA360483932.
Genomic context (GRCh38, chr5:96,754,733, plus strand): 5'-GAAGACCGTGAAAAGCTTGGTGAAAAAGAAGAAACAATTCCTCCTGATTATAGATTAGAA[G>T]AGGTCAAGGTAAACAGGCTGGAGTCTTTTTCTATTTTATTTTAATTCATACTGAATTCAT-3'

ClinVar aggregate classification (germline): Likely pathogenic (1 of 4 stars; one submission).

Conditions:
CAST-related disorder. Also called: CAST-related condition.

Allele frequency attached by ClinVar (database versions not stated): gnomAD exomes below 0.00001.
gnomAD v4.1: 2 of 1,583,366 alleles (0.00013%); highest among the groups gnomAD compares: African/African-American, 0.0013%; no homozygotes.

Submission:

PreventionGenetics, part of Exact Sciences
Classification: Likely pathogenic for CAST-related condition. Last evaluated: 2022-09-16. Review status: criteria provided, single submitter. Criteria: ACMG Guidelines, 2015. Collection method: clinical testing. Allele origin: germline.
Comment: The CAST c.1579G>T variant is predicted to result in premature protein termination (p.Glu527*). To our knowledge, this variant has not been reported in the literature or in a large population database, indicating this variant is rare. Nonsense variants in CAST are expected to be pathogenic. This variant is interpreted as likely pathogenic.